The following is an entry in ClinVar:

ClinVar aggregate classification (germline): Pathogenic. Review status: criteria provided, multiple submitters, no conflicts (2 of 4 stars). 2 submissions from 2 submitters: Pathogenic (2). Last evaluated 2025-11-06.

Conditions:
3-methylcrotonyl-CoA carboxylase 2 deficiency. Also called: METHYLCROTONYLGLYCINURIA, TYPE II; 3 alpha methylcrotonyl-CoA carboxylase 2 deficiency; 3 alpha methylcrotonylglycinuria 2; MCC 2 deficiency; Methylcrotonylglycinuria type 2. Identifiers: Orphanet 6, MedGen C1859499, MONDO:0008862, OMIM 210210.

Submissions (2):

Myriad Genetics, Inc.
Classification: Pathogenic for 3-methylcrotonyl-CoA carboxylase 2 deficiency. Last evaluated: 2025-11-06. Review status: criteria provided, single submitter. Criteria: Myriad Autosomal Dominant, Autosomal Recessive and X-Linked Classification Criteria (2023). Collection method: clinical testing. Allele origin: unknown.
Comment: NM_022132.4(MCCC2):c.456dupA(Q153Tfs*20) is expected to be pathogenic in the context of 3-methylcrotonyl-CoA carboxylase deficiency, MCCC2-related. This variant is predicted to lead to an abnormal or absent protein product due to the creation of a premature termination codon in MCCC2, a gene where loss-of-function variants are known to be pathogenic. Please note: this variant was assessed in the context of healthy population screening.

GeneDx
Classification: Pathogenic. Last evaluated: 2019-09-23. Review status: criteria provided, single submitter. Criteria: GeneDx Variant Classification (06012015). Collection method: clinical testing. Allele origin: germline. Affected: yes.
Comment: The c.456dupA variant in the MCCC2 gene has not been reported previously as a pathogenic variant nor as a benign variant, to our knowledge. This variant causes a frameshift starting with codon Glutamine 153, changes this amino acid to a Threonine residue, and creates a premature Stop codon at position 20 of the new reading frame, denoted p.Gln153ThrfsX20. This variant is predicted to cause loss of normal protein function either through protein truncation or nonsense-mediated mRNA decay. The c.456dupA variant is not observed in large population cohorts (Lek et al., 2016). We interpret c.456dupA as a pathogenic variant.

NM_022132.5(MCCC2):c.456dup (p.Gln153fs)

Gene: MCCC2 (methylcrotonyl-CoA carboxylase subunit 2; plus strand). Cytogenetic location: 5q13.2.
Variant type: Duplication.
Coding change: c.456dup on transcript NM_022132.5 (MANE Select); coding-DNA position 456, one base duplicated (A; older notation c.456dupA).
Protein change: p.Gln153fs; shifts the reading frame from glutamine 153.
Molecular consequence: frameshift variant.
Genome position (GRCh38, 1-based): chr5:71,602,578, A duplicated; the last of 6 consecutive A bases (chr5:71,602,573-71,602,578); duplicating any one gives the same sequence. VCF-style (leftmost placement, unchanged base first): chr5-71602572-G-GA. GRCh37 (hg19) VCF-style: chr5-70898399-G-GA.
Other names: c.456dup, p.Gln153fs (NM_001363147.1); short protein forms Q153fs.
Identifiers: ClinVar variation 817720 (VCV000817720.2), dbSNP rs1580280976, ClinGen allele CA444800108.
Genomic context (GRCh38, chr5:71,602,572, plus strand): 5'-ATGCATGATTATTGCCAATGATGCCACCGTCAAAGGAGGTGCCTACTACCCAGTGACTGT[G>GA]AAAAAACAATTACGGGCCCAAGAAATTGCCATGCAAAACAGGCTCCCCTGCATCTACTTA-3'